The following is an entry in ClinVar:

NM_005573.4(LMNB1):c.449C>T (p.Ala150Val)

Gene: LMNB1 (lamin B1; plus strand). Cytogenetic location: 5q23.2.
Variant type: single nucleotide variant.
Coding change: c.449C>T on transcript NM_005573.4 (MANE Select); coding-DNA position 449, C replaced by T.
Protein change: p.Ala150Val; replaces alanine 150 with valine.
Molecular consequence: missense variant. On other transcripts: 5 prime UTR variant (1), non-coding transcript variant (2).
Genome position (GRCh38, 1-based): chr5:126,804,865, C>T. VCF-style: chr5-126804865-C-T. GRCh37 (hg19) VCF-style: chr5-126140557-C-T.
Other names: c.-182C>T (NM_001198557.2); short protein forms A150V.
Identifiers: ClinVar variation 3704166 (VCV003704166.2).
Genomic context (GRCh38, chr5:126,804,865, plus strand): 5'-GCGCCCAGATCAAGCTTCGAGAATATGAAGCAGCACTGAATTCGAAAGATGCAGCTCTTG[C>T]TACTGCACTTGGTGACAAAAAAAGTTTAGAGGGAGATTTGGAGGATCTGAAGGATCAGAT-3'
Protein context (NP_005564.1, residues 140-160): AALNSKDAAL[Ala150Val]TALGDKKSLE

ClinVar aggregate classification (germline): Uncertain significance (1 of 4 stars; one submission).

gnomAD v4.1: 1 of 1,613,934 alleles (0.000062%); highest among the groups gnomAD compares: African/African-American, 0.0013%; no homozygotes.

Submission:

Labcorp Genetics (formerly Invitae), Labcorp
Classification: Uncertain significance. Last evaluated: 2024-11-30. Review status: criteria provided, single submitter. Criteria: Invitae Variant Classification Sherloc (09022015). Collection method: clinical testing. Allele origin: germline.
Comment: This sequence change replaces alanine, which is neutral and non-polar, with valine, which is neutral and non-polar, at codon 150 of the LMNB1 protein (p.Ala150Val). This variant is present in population databases (no rsID available, gnomAD 0.01%). This variant has not been reported in the literature in individuals affected with LMNB1-related conditions. Invitae Evidence Modeling of protein sequence and biophysical properties (such as structural, functional, and spatial information, amino acid conservation, physicochemical variation, residue mobility, and thermodynamic stability) indicates that this missense variant is not expected to disrupt LMNB1 protein function with a negative predictive value of 80%. In summary, the available evidence is currently insufficient to determine the role of this variant in disease. Therefore, it has been classified as a Variant of Uncertain Significance.